The following is an entry in ClinVar:

ClinVar aggregate classification (germline): Conflicting classifications of pathogenicity. Review status: criteria provided, conflicting classifications (1 of 4 stars). 11 submissions from 11 submitters: Pathogenic (3); Likely pathogenic (2); Uncertain significance (5); Likely benign (1). Last evaluated 2026-05-22.

Conditions:
Inborn genetic diseases. Identifiers: MedGen C0950123, MeSH D030342.
Very long chain acyl-CoA dehydrogenase deficiency (ACADVLD). Also called: Very Long-Chain Acyl-Coenzyme A Dehydrogenase Deficiency; VLCAD Deficiency. Identifiers: Orphanet 26793, MedGen C3887523, MONDO:0008723, OMIM 201475.

Allele frequency attached by ClinVar (database versions not stated): gnomAD 0.00003; gnomAD exomes 0.00003; TOPMed 0.00005; 1000 Genomes Project 30x 0.00016; 1000 Genomes Project 0.00020.
gnomAD v4.1: 83 of 1,614,120 alleles (0.0051%); highest among the groups gnomAD compares: East Asian, 0.076%; no homozygotes.

Submissions (11):

Myriad Genetics, Inc.
Classification: Uncertain significance for Very long chain acyl-CoA dehydrogenase deficiency. Last evaluated: 2026-05-22. Review status: criteria provided, single submitter. Criteria: Myriad Autosomal Dominant, Autosomal Recessive and X-Linked Classification Criteria (2023). Collection method: clinical testing. Allele origin: unknown.
Comment: NM_000018.3(ACADVL):c.1226C>T(T409M) is a missense variant classified as a variant of uncertain significance in the context of very-long-chain acyl-CoA dehydrogenase deficiency. T409M has been observed in cases with relevant disease (PMID: NoPMID_Li_2021, 31031081). Relevant functional assessments of this variant are not available in the literature. T409M has been observed in referenced population frequency databases. In summary, there is insufficient evidence to classify NM_000018.3(ACADVL):c.1226C>T(T409M) as pathogenic or benign. Please note: this variant was assessed in the context of healthy population screening.

Labcorp Genetics (formerly Invitae), Labcorp
Classification: Pathogenic for Very long chain acyl-CoA dehydrogenase deficiency. Last evaluated: 2026-01-25. Review status: criteria provided, single submitter. Criteria: Invitae Variant Classification Sherloc (09022015). Collection method: clinical testing. Allele origin: germline.
Comment: This sequence change replaces threonine, which is neutral and polar, with methionine, which is neutral and non-polar, at codon 409 of the ACADVL protein (p.Thr409Met). This variant is present in population databases (rs113994169, gnomAD 0.04%). This missense change has been observed, in combination with a different pathogenic ACADVL variant, in individual(s) with very long-chain acyl-CoA dehydrogenase deficiency (VLCAD) (PMID: 24503138, 31031081; internal data). In at least one individual the data is consistent with being in trans (on the opposite chromosome) from a pathogenic variant. It is commonly reported in individuals of Maori and Pacific ancestry (PMID: 26743058). Homozygous individuals have been reported with abnormal newborn screening lab results but without early-onset or severe symptoms typical for classic VLCAD; however, long term follow-up data is not available to assess risk for late-onset VLCAD (PMID: 24503138). ClinVar contains an entry for this variant (Variation ID: 21013). Invitae Evidence Modeling of protein sequence and biophysical properties (such as structural, functional, and spatial information, amino acid conservation, physicochemical variation, residue mobility, and thermodynamic stability) indicates that this missense variant is not expected to disrupt ACADVL protein function with a negative predictive value of 80%. For these reasons, this variant has been classified as Pathogenic.

Natera, Inc.
Classification: Likely pathogenic for Very long chain acyl-CoA dehydrogenase deficiency. Last evaluated: 2025-10-28. Review status: criteria provided, single submitter. Criteria: Natera Variant Classification Schema (03/2026). Collection method: clinical testing. Allele origin: germline.
Comment: The c.1226C>T variant in ACADVL is a missense variant predicted to cause substitution of threonine to methionine at amino acid 409. This variant is rare in the general population with a frequency below the threshold expected for the associated phenotype(s). This variant has been observed in one or more individuals affected with the associated recessive disease, as either homozygous or compound heterozygous with a second variant (PMID: 31031081, 27246109, 38390979). Given the available evidence, this variant is classified as Likely Pathogenic.

Blueprint Genetics
Classification: Likely benign. Last evaluated: 2024-11-20. Review status: criteria provided, single submitter. Criteria: ACMG Guidelines, 2015. Collection method: clinical testing. Allele origin: germline.

Fulgent Genetics
Classification: Uncertain significance for Very long chain acyl-CoA dehydrogenase deficiency. Last evaluated: 2024-04-22. Review status: criteria provided, single submitter. Criteria: ACMG Guidelines, 2015. Collection method: clinical testing. Allele origin: germline.

Baylor Genetics
Classification: Pathogenic for Very long chain acyl-CoA dehydrogenase deficiency. Last evaluated: 2024-03-25. Review status: criteria provided, single submitter. Criteria: ACMG Guidelines, 2015. Collection method: clinical testing. Allele origin: unknown.

Revvity Omics, Revvity
Classification: Likely pathogenic for Very long chain acyl-CoA dehydrogenase deficiency. Last evaluated: 2024-02-02. Review status: criteria provided, single submitter. Criteria: ACMG Guidelines, 2015. Collection method: clinical testing. Allele origin: germline.

Victorian Clinical Genetics Services, Murdoch Childrens Research Institute
Classification: Pathogenic for Very long chain acyl-CoA dehydrogenase deficiency. Last evaluated: 2023-07-17. Review status: criteria provided, single submitter. Criteria: ACMG Guidelines, 2015. Collection method: clinical testing. Allele origin: germline. Inheritance: Autosomal recessive inheritance. Affected: yes.
Comment: Based on the classification scheme VCGS_Germline_v1.3.4, this variant is classified as pathogenic. Following criteria are met: 0102 - Loss of function is a known mechanism of disease in this gene and is associated with VLCAD deficiency (MIM#201475). (I) 0106 - This gene is associated with autosomal recessive disease. (I) 0200 - Variant is predicted to result in a missense amino acid change from threonine to methionine. (I) 0252 - This variant is homozygous. (I) 0304 - Variant is present in gnomAD <0.01 for a recessive condition (v3: 19 heterozygotes, 0 homozygotes,). (SP) 0309 - An alternative amino acid change at the same position has been observed in gnomAD (v2: 1 heterozygote, 0 homozygotes). (I) 0502 - Missense variant with conflicting in silico predictions and/or uninformative conservation. (I) 0600 - Variant is located in the annotated Acyl-CoA dehydrogenase, C-terminal domain (DECIPHER). (I) 0710 - Another missense variant comparable to the one identified in this case has inconclusive previous evidence for pathogenicity. p.(Thr409Arg) has been classified as a VUS by a diagnostic laboratory in ClinVar. (I) 0808 - Previous reports of pathogenicity for this variant are conflicting. It has been classified as pathogenic and VUS by diagnostic laboratories in ClinVar. Known to be enriched in Polynesian populations, compound heterozygous individuals are likely to manifest mild disease and homozygotes tend to remain asymptomatic (PMID: 26743058, 35267200, 35400565). (I) 1001 - This variant has strong functional evidence supporting abnormal protein function. Blood spots from individuals carrying this variant (both homozygous and compound heterozygous), consistently display VLCAD deficiency and elevated C14:1-carnitine levels (PMID:31031081, 26743058, 24503138). (SP) 1207 - Parental origin of the variant is unresolved. (I) Legend: (SP) - Supporting pathogenic, (I) - Information, (SB) - Supporting benign

ARUP Laboratories, Molecular Genetics and Genomics, ARUP Laboratories
Classification: Uncertain significance for Very long chain acyl-CoA dehydrogenase deficiency. Last evaluated: 2023-03-15. Review status: criteria provided, single submitter. Criteria: ARUP Molecular Germline Variant Investigation Process 2024. Collection method: clinical testing. Allele origin: germline.
Comment: The ACADVL c.1226C>T; p.Thr409Met variant (rs113994169) has been reported at a high frequency in unaffected individuals of Maori and Pacific ancestry (Ryder 2016). Homozygosity for this variant has been associated with elevated C14:1 acylcarnitine levels during newborn screening, but has not been associated with the development of classical very long-chain acyl CoA dehydrogenase (VLCAD) deficiency (Evans 2016, Merritt 2014, Ryder 2016). However, these studies did not evaluate the occurrence of late-onset VLCAD symptoms during adolescence or adulthood. This variant has more recently been reported to be compound heterozygous with other ACADVL variants in individuals with VLCAD deficiency (Rovelli 2019). The p.Thr409Met variant is reported in ClinVar (Variation ID: 21013). It is observed in the general population with an overall allele frequency of 0.005% (14/282856 alleles) in the Genome Aggregation Database. Computational analyses are uncertain whether this variant is neutral or deleterious (REVEL: 0.333). Based on the available information, the clinical significance of this variant is uncertain at this time. References: Evans M et al. VLCAD deficiency: Follow-up and outcome of patients diagnosed through newborn screening in Victoria. Mol Genet Metab. 2016 Aug;118(4):282-7. PMID: 27246109. Merritt JL et al. Infants suspected to have very-long chain acyl-CoA dehydrogenase deficiency from newborn screening. Mol Genet Metab. 2014 Apr;111(4):484-92. PMID: 24503138. Rovelli V et al. Clinical and biochemical outcome of patients with very long-chain acyl-CoA dehydrogenase deficiency. Mol Genet Metab. 2019 May;127(1):64-73. PMID: 31031081. Ryder B et al. The natural history of elevated tetradecenoyl-L-carnitine detected by newborn screening in New Zealand: implications for very long chain acyl-CoA dehydrogenase deficiency screening and treatment. J Inherit Metab Dis. 2016 May;39(3):409-414. PMID: 26743058.

Ambry Genetics
Classification: Uncertain significance for Inborn genetic diseases. Last evaluated: 2022-12-29. Review status: criteria provided, single submitter. Criteria: Ambry Variant Classification Scheme 2023. Collection method: clinical testing. Allele origin: germline.
Comment: The c.1226C>T (p.T409M) alteration is located in exon 12 (coding exon 12) of the ACADVL gene. This alteration results from a C to T substitution at nucleotide position 1226, causing the threonine (T) at amino acid position 409 to be replaced by a methionine (M). Based on data from gnomAD, the T allele has an overall frequency of 0.005% (14/282856) total alleles studied. The highest observed frequency was 0.069% (5/7226) of Other alleles. The altered amino acid is not conserved throughout evolution:_x000D_ _x000D_ The p.T409 amino acid is not conserved in available vertebrate species. This alteration is predicted to be tolerated by in silico analysis. Based on insufficient or conflicting evidence, the clinical significance of this alteration remains unclear.

Wong Mito Lab, Molecular and Human Genetics, Baylor College of Medicine
Classification: Uncertain significance for Very long chain acyl-CoA dehydrogenase deficiency. Last evaluated: 2019-11-01. Review status: criteria provided, single submitter. Criteria: ACMG Guidelines, 2015. Collection method: clinical testing. Allele origin: germline.
Comment: The NM_000018.3:c.1226C>T (NP_000009.1:p.Thr409Met) [GRCH38: NC_000017.11:g.7223687C>T] variant in ACADVL gene is interpretated to be Uncertain Significance based on ACMG guidelines (PMID: 25741868). This variant has been reported. This variant meets the following evidence codes reported in the ACMG guidelines: BP4

Literature cited by the submitters: PubMed 24503138 (cited by 4 submitters); PubMed 31031081 (cited by 3 submitters); PubMed 26743058 (cited by 3 submitters); PubMed 27246109 (cited by Natera, Inc.); PubMed 38390979 (cited by Natera, Inc.); PubMed 35267200 (cited by Victorian Clinical Genetics Services, Murdoch Childrens Research Institute); PubMed 35400565 (cited by Victorian Clinical Genetics Services, Murdoch Childrens Research Institute and Ambry Genetics).

NM_000018.4(ACADVL):c.1226C>T (p.Thr409Met)

Gene: ACADVL (acyl-CoA dehydrogenase very long chain; plus strand). Cytogenetic location: 17p13.1.
Variant type: single nucleotide variant.
Coding change: c.1226C>T on transcript NM_000018.4 (MANE Select); coding-DNA position 1226, C replaced by T.
Protein change: p.Thr409Met; replaces threonine 409 with methionine.
Molecular consequence: missense variant.
Genome position (GRCh38, 1-based): chr17:7,223,687, C>T. VCF-style: chr17-7223687-C-T. GRCh37 (hg19) VCF-style: chr17-7127006-C-T.
Other names: c.1160C>T, p.Thr387Met (NM_001033859.3); c.1295C>T, p.Thr432Met (NM_001270447.2); c.998C>T, p.Thr333Met (NM_001270448.2); short protein forms T409M, T333M, T387M, T432M.
Identifiers: ClinVar variation 21013 (VCV000021013.35), dbSNP rs113994169, ClinGen allele CA312268.